The following is an entry in ClinVar:

NM_001845.6(COL4A1):c.997A>G (p.Ile333Val)

Gene: COL4A1 (collagen type IV alpha 1 chain; minus strand). Cytogenetic location: 13q34.
Variant type: single nucleotide variant.
Coding change: c.997A>G on transcript NM_001845.6 (MANE Select); coding-DNA position 997, A replaced by G.
Protein change: p.Ile333Val; replaces isoleucine 333 with valine.
Molecular consequence: missense variant.
Genome position (GRCh38, 1-based): chr13:110,203,568, T>C on the plus strand (A>G on the coding strand, the complement: COL4A1 is on the minus strand). VCF-style: chr13-110203568-T-C. GRCh37 (hg19) VCF-style: chr13-110855915-T-C.
Other names: c.997A>G, p.Ile333Val (NM_001303110.2); short protein forms I333V.
Identifiers: ClinVar variation 1712730 (VCV001712730.6), dbSNP rs1879342737, ClinGen allele CA388724508.

ClinVar aggregate classification (germline): Uncertain significance. Review status: criteria provided, multiple submitters, no conflicts (2 of 4 stars). 2 submissions from 2 submitters: Uncertain significance (2). Last evaluated 2023-05-20.

Allele frequency attached by ClinVar (database versions not stated): TOPMed 0.00001.

Submissions (2):

Labcorp Genetics (formerly Invitae), Labcorp
Classification: Uncertain significance. Last evaluated: 2023-05-20. Review status: criteria provided, single submitter. Criteria: Invitae Variant Classification Sherloc (09022015). Collection method: clinical testing. Allele origin: germline.
Comment: This sequence change replaces isoleucine, which is neutral and non-polar, with valine, which is neutral and non-polar, at codon 333 of the COL4A1 protein (p.Ile333Val). This variant is not present in population databases (gnomAD no frequency). In summary, the available evidence is currently insufficient to determine the role of this variant in disease. Therefore, it has been classified as a Variant of Uncertain Significance. Experimental studies and prediction algorithms are not available or were not evaluated, and the functional significance of this variant is currently unknown. ClinVar contains an entry for this variant (Variation ID: 1712730). This variant has not been reported in the literature in individuals affected with COL4A1-related conditions.

GeneDx
Classification: Uncertain significance. Last evaluated: 2023-02-22. Review status: criteria provided, single submitter. Criteria: GeneDx Variant Classification Process June 2021. Collection method: clinical testing. Allele origin: germline.
Comment: Not observed at significant frequency in large population cohorts (gnomAD); In silico analysis supports that this missense variant does not alter protein structure/function; Has not been previously published as pathogenic or benign to our knowledge; Occurs in the triple helical domain at the Y position in the canonical Gly-X-Y repeat; although this variant may have an effect on normal protein folding and function, missense substitution at the Y position is not a common mechanism of disease